The following is an entry in ClinVar:

NM_001206999.2(CIT):c.4068C>A (p.Ile1356=)

Gene: CIT (citron rho-interacting serine/threonine kinase; minus strand). Cytogenetic location: 12q24.23.
Variant type: single nucleotide variant.
Coding change: c.4068C>A on transcript NM_001206999.2 (MANE Select); coding-DNA position 4068, C replaced by A.
Protein change: p.Ile1356=; no amino-acid change (isoleucine 1356 retained).
Molecular consequence: synonymous variant.
Genome position (GRCh38, 1-based): chr12:119,718,345, G>T on the plus strand (C>A on the coding strand, the complement: CIT is on the minus strand). VCF-style: chr12-119718345-G-T. GRCh37 (hg19) VCF-style: chr12-120156150-G-T.
Other names: c.3942C>A, p.Ile1314= (NM_007174.3).
Identifiers: ClinVar variation 3046840 (VCV003046840.2), dbSNP rs56006347, ClinGen allele CA6821352.
Genomic context (GRCh38, chr12:119,718,345, plus strand): 5'-GGCCAGCAGGCTCATGGCACTGGGCTGGTGCTCTGGCGACCGCACGATGGCGGACATGGC[G>T]ATCTGCTGCCTCGCGGTGGCTGGCGTGGATGGGTGTGGGTGGTCCGTTGCTTTGCGGTGG-3'
Protein context (NP_001193928.1, residues 1346-1366): PSTPATARQQ[Ile1356=]AMSAIVRSPE

ClinVar aggregate classification (germline): Likely benign (0 of 4 stars; one submission).

Conditions:
CIT-related disorder. Also called: CIT-related condition.

Allele frequency attached by ClinVar (database versions not stated): ESP Exome Variant Server 0.00015.
gnomAD v4.1: 19 of 1,613,982 alleles (0.0012%); highest among the groups gnomAD compares: African/African-American, 0.02%; no homozygotes.

Submission:

PreventionGenetics, part of Exact Sciences
Classification: Likely benign for CIT-related condition. Last evaluated: 2019-04-10. Review status: no assertion criteria provided. Collection method: clinical testing. Allele origin: germline.
Comment: This variant is classified as likely benign based on ACMG/AMP sequence variant interpretation guidelines (Richards et al. 2015 PMID: 25741868, with internal and published modifications).